The following is an entry in ClinVar:

ClinVar aggregate classification (germline): Uncertain significance (1 of 4 stars; one submission).

gnomAD v4.1: 2 of 1,613,316 alleles (0.00012%); highest among the groups gnomAD compares: Non-Finnish European, 0.00017%; no homozygotes.

Submission:

CeGaT Center for Human Genetics Tuebingen
Classification: Uncertain significance. Last evaluated: 2024-12-01. Review status: criteria provided, single submitter. Criteria: CeGaT Center For Human Genetics Tuebingen Variant Classification Criteria Version 2. Collection method: clinical testing. Allele origin: germline. Affected: yes. Observed: 1 variant allele.
Comment: LONP1: PM2, PP3

NM_004793.4(LONP1):c.1835A>C (p.Asp612Ala)

Gene: LONP1 (lon peptidase 1, mitochondrial; minus strand). Cytogenetic location: 19p13.3.
Variant type: single nucleotide variant.
Coding change: c.1835A>C on transcript NM_004793.4 (MANE Select); coding-DNA position 1835, A replaced by C.
Protein change: p.Asp612Ala; replaces aspartic acid 612 with alanine.
Molecular consequence: missense variant. On other transcripts: non-coding transcript variant (1).
Genome position (GRCh38, 1-based): chr19:5,696,310, T>G on the plus strand (A>C on the coding strand, the complement: LONP1 is on the minus strand). VCF-style: chr19-5696310-T-G. GRCh37 (hg19) VCF-style: chr19-5696321-T-G.
Other names: c.1643A>C, p.Asp548Ala (NM_001276479.2); c.1247A>C, p.Asp416Ala (NM_001276480.1); short protein forms D416A, D548A, D612A.
Identifiers: ClinVar variation 3771167 (VCV003771167.13).